The following is an entry in ClinVar:

NM_004984.4(KIF5A):c.627C>G (p.Phe209Leu)

Gene: KIF5A (kinesin family member 5A; plus strand). Cytogenetic location: 12q13.3.
Variant type: single nucleotide variant.
Coding change: c.627C>G on transcript NM_004984.4 (MANE Select); coding-DNA position 627, C replaced by G.
Protein change: p.Phe209Leu; replaces phenylalanine 209 with leucine.
Molecular consequence: missense variant.
Genome position (GRCh38, 1-based): chr12:57,567,531, C>G. VCF-style: chr12-57567531-C-G. GRCh37 (hg19) VCF-style: chr12-57961314-C-G.
Other names: c.360C>G, p.Phe120Leu (NM_001354705.2); short protein forms F209L, F120L.
Identifiers: ClinVar variation 2725066 (VCV002725066.3), dbSNP rs1882103914, ClinGen allele CA385499152.

ClinVar aggregate classification (germline): Uncertain significance (1 of 4 stars; one submission).

Conditions:
Spastic paraplegia. Identifiers: MedGen C0037772, HP:0001258.

Submission:

Labcorp Genetics (formerly Invitae), Labcorp
Classification: Uncertain significance for Spastic paraplegia. Last evaluated: 2023-06-23. Review status: criteria provided, single submitter. Criteria: Invitae Variant Classification Sherloc (09022015). Collection method: clinical testing. Allele origin: germline.
Comment: This sequence change replaces phenylalanine, which is neutral and non-polar, with leucine, which is neutral and non-polar, at codon 209 of the KIF5A protein (p.Phe209Leu). This variant is not present in population databases (gnomAD no frequency). This variant has not been reported in the literature in individuals affected with KIF5A-related conditions. Advanced modeling of protein sequence and biophysical properties (such as structural, functional, and spatial information, amino acid conservation, physicochemical variation, residue mobility, and thermodynamic stability) has been performed at Invitae for this missense variant, however the output from this modeling did not meet the statistical confidence thresholds required to predict the impact of this variant on KIF5A protein function. In summary, the available evidence is currently insufficient to determine the role of this variant in disease. Therefore, it has been classified as a Variant of Uncertain Significance.